The following is an entry in ClinVar:

ClinVar aggregate classification (germline): Likely benign. Review status: criteria provided, multiple submitters, no conflicts (2 of 4 stars). 3 submissions from 3 submitters: Likely benign (3). Last evaluated 2022-12-01.

Conditions:
Autoimmune interstitial lung disease-arthritis syndrome. Also called: Autoinflammation and autoimmunity, systemic, with immune dysregulation. Identifiers: Orphanet 444092, MedGen C5975714, MONDO:0014629.

Allele frequency attached by ClinVar (database versions not stated): TOPMed below 0.00001; gnomAD exomes 0.00001.

Submissions (3):

CeGaT Center for Human Genetics Tuebingen
Classification: Likely benign. Last evaluated: 2022-12-01. Review status: criteria provided, single submitter. Criteria: CeGaT Center For Human Genetics Tuebingen Variant Classification Criteria Version 2. Collection method: clinical testing. Allele origin: germline. Affected: yes. Observed: 1 variant allele.
Comment: COPA: BP4, BP7

Blueprint Genetics
Classification: Likely benign. Last evaluated: 2021-12-15. Review status: criteria provided, single submitter. Criteria: ACMG Guidelines, 2015. Collection method: clinical testing. Allele origin: germline.

Labcorp Genetics (formerly Invitae), Labcorp
Classification: Likely benign for Autoimmune interstitial lung disease-arthritis syndrome. Last evaluated: 2021-11-13. Review status: criteria provided, single submitter. Criteria: Invitae Variant Classification Sherloc (09022015). Collection method: clinical testing. Allele origin: germline.

NM_004371.4(COPA):c.816T>C (p.Ser272=)

Gene: COPA (coat protein complex I subunit alpha; minus strand). Cytogenetic location: 1q23.2.
Variant type: single nucleotide variant.
Coding change: c.816T>C on transcript NM_004371.4 (MANE Select); coding-DNA position 816, T replaced by C.
Protein change: p.Ser272=; no amino-acid change (serine 272 retained).
Molecular consequence: synonymous variant.
Genome position (GRCh38, 1-based): chr1:160,314,016, A>G on the plus strand (T>C on the coding strand, the complement: COPA is on the minus strand). VCF-style: chr1-160314016-A-G. GRCh37 (hg19) VCF-style: chr1-160283806-A-G.
Other names: c.816T>C, p.Ser272= (NM_001098398.2).
Identifiers: ClinVar variation 1617190 (VCV001617190.32), dbSNP rs1037485892, ClinGen allele CA31513957.